The following is an entry in ClinVar:

ClinVar aggregate classification (germline): Uncertain significance (1 of 4 stars; one submission).

Submission:

Labcorp Genetics (formerly Invitae), Labcorp
Classification: Uncertain significance. Last evaluated: 2025-01-20. Review status: criteria provided, single submitter. Criteria: Invitae Variant Classification Sherloc (09022015). Collection method: clinical testing. Allele origin: germline.
Comment: This sequence change replaces glutamic acid, which is acidic and polar, with lysine, which is basic and polar, at codon 297 of the GFAP protein (p.Glu297Lys). This variant is not present in population databases (gnomAD no frequency). This variant has not been reported in the literature in individuals affected with GFAP-related conditions. Invitae Evidence Modeling of protein sequence and biophysical properties (such as structural, functional, and spatial information, amino acid conservation, physicochemical variation, residue mobility, and thermodynamic stability) indicates that this missense variant is expected to disrupt GFAP protein function with a positive predictive value of 95%. In summary, the available evidence is currently insufficient to determine the role of this variant in disease. Therefore, it has been classified as a Variant of Uncertain Significance.

NM_002055.5(GFAP):c.889G>A (p.Glu297Lys)

Gene: GFAP (glial fibrillary acidic protein; minus strand). Cytogenetic location: 17q21.31.
Variant type: single nucleotide variant.
Coding change: c.889G>A on transcript NM_002055.5 (MANE Select); coding-DNA position 889, G replaced by A.
Protein change: p.Glu297Lys; replaces glutamic acid 297 with lysine.
Molecular consequence: missense variant.
Genome position (GRCh38, 1-based): chr17:44,911,689, C>T on the plus strand (G>A on the coding strand, the complement: GFAP is on the minus strand). VCF-style: chr17-44911689-C-T. GRCh37 (hg19) VCF-style: chr17-42989057-C-T.
Other names: c.889G>A, p.Glu297Lys (NM_001131019.3, NM_001242376.3, NM_001363846.2); short protein forms E297K.
Identifiers: ClinVar variation 3634713 (VCV003634713.2).
Genomic context (GRCh38, chr17:44,911,689, plus strand): 5'-GTCCCTGCTCCGCCCGTCCCCGTCCTGCCCTGGCCGCGCTCACCGTGCCGCGCAGAGACT[C>T]CAGGTCGCAGGTCAAGGACTGCAACTGGCGCCGGTAGTCGTTGGCTTCGTGCTTGGCCTG-3'
Protein context (NP_002046.1, residues 287-307): RQLQSLTCDL[Glu297Lys]SLRGTNESLE